The following is an entry in ClinVar:

ClinVar aggregate classification (germline): Uncertain significance. Review status: criteria provided, multiple submitters, no conflicts (2 of 4 stars). 2 submissions from 2 submitters: Uncertain significance (2). Last evaluated 2024-05-28.

Conditions:
Inborn genetic diseases. Identifiers: MedGen C0950123, MeSH D030342.
Charcot-Marie-Tooth disease type 4. Also called: Charcot-Marie-Tooth disease, type IV; Charcot-Marie-Tooth, Type 4. Identifiers: Orphanet 64749, MedGen C4082197, MONDO:0018995.

Allele frequency attached by ClinVar (database versions not stated): gnomAD exomes below 0.00001; TOPMed 0.00002.
gnomAD v4.1: 1 of 1,610,612 alleles (0.000062%); highest among the groups gnomAD compares: Admixed American, 0.0017%; no homozygotes.

Submissions (2):

Ambry Genetics
Classification: Uncertain significance for Inborn genetic diseases. Last evaluated: 2024-05-28. Review status: criteria provided, single submitter. Criteria: Ambry Variant Classification Scheme 2023. Collection method: clinical testing. Allele origin: germline.

Labcorp Genetics (formerly Invitae), Labcorp
Classification: Uncertain significance for Charcot-Marie-Tooth disease type 4. Last evaluated: 2021-11-13. Review status: criteria provided, single submitter. Criteria: Invitae Variant Classification Sherloc (09022015). Collection method: clinical testing. Allele origin: germline.
Comment: This sequence change replaces phenylalanine, which is neutral and non-polar, with leucine, which is neutral and non-polar, at codon 101 of the FIG4 protein (p.Phe101Leu). This variant is present in population databases (no rsID available, gnomAD 0.003%). This variant has not been reported in the literature in individuals affected with FIG4-related conditions. ClinVar contains an entry for this variant (Variation ID: 574564). Algorithms developed to predict the effect of missense changes on protein structure and function are either unavailable or do not agree on the potential impact of this missense change (SIFT: "Deleterious"; PolyPhen-2: "Probably Damaging"; Align-GVGD: "Class C0"). In summary, the available evidence is currently insufficient to determine the role of this variant in disease. Therefore, it has been classified as a Variant of Uncertain Significance.

NM_014845.6(FIG4):c.301T>C (p.Phe101Leu)

Gene: FIG4 (FIG4 phosphoinositide 5-phosphatase; plus strand). Cytogenetic location: 6q21.
Variant type: single nucleotide variant.
Coding change: c.301T>C on transcript NM_014845.6 (MANE Select); coding-DNA position 301, T replaced by C.
Protein change: p.Phe101Leu; replaces phenylalanine 101 with leucine.
Molecular consequence: missense variant.
Genome position (GRCh38, 1-based): chr6:109,727,120, T>C. VCF-style: chr6-109727120-T-C. GRCh37 (hg19) VCF-style: chr6-110048323-T-C.
Other names: short protein forms F101L.
Identifiers: ClinVar variation 574564 (VCV000574564.4), dbSNP rs1209947403, ClinGen allele CA365215726.
Genomic context (GRCh38, chr6:109,727,120, plus strand): 5'-CCATTACTAAGTTTATAAAGCATATTTCTCTTTATTTTTTGTTGCATAGGTTTTGTCAGG[T>C]TCTTAGAAGGCTATTATATTGTGTTAATAACTAAAAGGAGGAAGATGGCGGATATTGGAG-3'
Protein context (NP_055660.1, residues 91-111): SAFGVVGFVR[Phe101Leu]LEGYYIVLIT